The following is an entry in ClinVar:

ClinVar aggregate classification (germline): Uncertain significance (1 of 4 stars; one submission).

Conditions:
Hereditary cancer-predisposing syndrome. Also called: Neoplastic Syndromes, Hereditary; Tumor predisposition; Hereditary neoplastic syndrome; Hereditary Cancer Syndrome. Identifiers: Orphanet 140162, MedGen C0027672, MeSH D009386, MONDO:0015356.

Submission:

Ambry Genetics
Classification: Uncertain significance for Hereditary cancer-predisposing syndrome. Last evaluated: 2026-07-07. Review status: criteria provided, single submitter. Criteria: Ambry Variant Classification Scheme 2023. Collection method: clinical testing. Allele origin: germline.
Comment: The p.L123V variant (also known as c.367C>G), located in coding exon 2 of the TMEM127 gene, results from a C to G substitution at nucleotide position 367. The leucine at codon 123 is replaced by valine, an amino acid with highly similar properties. This amino acid position is conserved. In addition, this alteration is predicted to be deleterious by in silico analysis. Based on the available evidence, the clinical significance of this variant remains unclear.

NM_017849.4(TMEM127):c.367C>G (p.Leu123Val)

Gene: TMEM127 (transmembrane protein 127; minus strand). Cytogenetic location: 2q11.2.
Variant type: single nucleotide variant.
Coding change: c.367C>G on transcript NM_017849.4 (MANE Select); coding-DNA position 367, C replaced by G.
Protein change: p.Leu123Val; replaces leucine 123 with valine.
Molecular consequence: missense variant.
Genome position (GRCh38, 1-based): chr2:96,254,875, G>C on the plus strand (C>G on the coding strand, the complement: TMEM127 is on the minus strand). VCF-style: chr2-96254875-G-C. GRCh37 (hg19) VCF-style: chr2-96920613-G-C.
Other names: c.367C>G, p.Leu123Val (NM_001193304.3); c.115C>G, p.Leu39Val (NM_001407282.1, NM_001407283.1); short protein forms L39V, L123V.
Identifiers: ClinVar variation 5030930 (VCV005030930.1).